The following is an entry in ClinVar:

NM_015662.3(IFT172):c.918A>G (p.Leu306=)

Gene: IFT172 (intraflagellar transport 172; minus strand). Cytogenetic location: 2p23.3.
Variant type: single nucleotide variant.
Coding change: c.918A>G on transcript NM_015662.3 (MANE Select); coding-DNA position 918, A replaced by G.
Protein change: p.Leu306=; no amino-acid change (leucine 306 retained).
Molecular consequence: synonymous variant.
Genome position (GRCh38, 1-based): chr2:27,479,596, T>C on the plus strand (A>G on the coding strand, the complement: IFT172 is on the minus strand). VCF-style: chr2-27479596-T-C. GRCh37 (hg19) VCF-style: chr2-27702463-T-C.
Other names: c.918A>G (NM_015662.1, NM_015662.2).
Identifiers: ClinVar variation 1118727 (VCV001118727.15), dbSNP rs746380795, ClinGen allele CA1580823.
Genomic context (GRCh38, chr2:27,479,596, plus strand): 5'-AAACTTGTTCTTGTAAATACTCCTTCGGAGGCAGCAGTCAAACTGTTCCACCCCACCACA[T>C]AGTGTGCCCTAGAAGGGAAAGTGACAGCATAAAAGGTCACACACATAGTACACTGGCATG-3'
Protein context (NP_056477.1, residues 296-316): RDGSRLCVGT[Leu306=]CGGVEQFDCC

ClinVar aggregate classification (germline): Likely benign. Review status: criteria provided, multiple submitters, no conflicts (2 of 4 stars). 5 submissions from 5 submitters: Likely benign (4). 1 of the submissions does not count toward it. Last evaluated 2026-06-01.

Conditions:
IFT172-related disorder. Also called: IFT172-related disorders; IFT172-related condition.
Retinitis pigmentosa 71 (RP71). Identifiers: Orphanet 791, MedGen C4225342, MONDO:0014618, OMIM 616394.
Short-rib thoracic dysplasia 10 with or without polydactyly (SRTD10). Identifiers: Orphanet 474, MedGen C3810175, MONDO:0014284, OMIM 615630.
Inborn genetic diseases. Identifiers: MedGen C0950123, MeSH D030342.

Allele frequency attached by ClinVar (database versions not stated): gnomAD exomes 0.00004 and 0.00006; ExAC 0.00006; TOPMed 0.00009; gnomAD 0.00011 and 0.00012.
gnomAD v4.1: 68 of 1,604,406 alleles (0.0042%); highest among the groups gnomAD compares: East Asian, 0.042%; no homozygotes.

Submissions (5):

CeGaT Center for Human Genetics Tuebingen
Classification: Likely benign. Last evaluated: 2026-06-01. Review status: criteria provided, single submitter. Criteria: CeGaT Center For Human Genetics Tuebingen Variant Classification Criteria Version 2. Collection method: clinical testing. Allele origin: germline. Affected: yes. Observed: 1 variant allele.
Comment: IFT172: BP4, BP7

Ambry Genetics
Classification: Likely benign for Inborn genetic diseases. Last evaluated: 2025-08-20. Review status: criteria provided, single submitter. Criteria: Ambry Variant Classification Scheme 2023. Collection method: clinical testing. Allele origin: germline.

Labcorp Genetics (formerly Invitae), Labcorp
Classification: Likely benign for Retinitis pigmentosa 71; Short-rib thoracic dysplasia 10 with or without polydactyly. Last evaluated: 2025-08-17. Review status: criteria provided, single submitter. Criteria: Invitae Variant Classification Sherloc (09022015). Collection method: clinical testing. Allele origin: germline.

Blueprint Genetics
Classification: Likely benign. Last evaluated: 2023-11-15. Review status: criteria provided, single submitter. Criteria: ACMG Guidelines, 2015. Collection method: clinical testing. Allele origin: germline.

PreventionGenetics, part of Exact Sciences
Classification: Likely benign for IFT172-related condition. Last evaluated: 2019-09-06. Review status: no assertion criteria provided. Collection method: clinical testing. Allele origin: germline. Not counted in ClinVar's aggregate classification.
Comment: This variant is classified as likely benign based on ACMG/AMP sequence variant interpretation guidelines (Richards et al. 2015 PMID: 25741868, with internal and published modifications).